The following is an entry in ClinVar:

NM_006610.4(MASP2):c.1947G>T (p.Val649=)

Genes: MASP2 (MBL associated serine protease 2; minus strand), TARDBP (TAR DNA binding protein; plus strand). Cytogenetic location: 1p36.22.
Variant type: single nucleotide variant.
Coding change: c.1947G>T on transcript NM_006610.4 (MANE Select); coding-DNA position 1947, G replaced by T.
Protein change: p.Val649=; no amino-acid change (valine 649 retained).
Molecular consequence: synonymous variant.
Genome position (GRCh38, 1-based): chr1:11,026,999, C>A on the plus strand (G>T on the coding strand, the complement: MASP2 is on the minus strand). VCF-style: chr1-11026999-C-A. GRCh37 (hg19) VCF-style: chr1-11087056-C-A.
Identifiers: ClinVar variation 2638215 (VCV002638215.24), dbSNP rs148865407, ClinGen allele CA586552.
Genomic context (GRCh38, chr1:11,026,999, plus strand): 5'-GTAGACTCCATACTGACCTGCTTCCCCACAATTCATGGAACCCCAGGACACTATTCCTCC[C>A]ACAAACCACCTCTCTGTTTCACTATCTAGAAACACCAGTGCCCCTCCGCTGTCACCTCTG-3'
Protein context (NP_006601.2, residues 639-659): FLDSETERWF[Val649=]GGIVSWGSMN

ClinVar aggregate classification (germline): Likely benign (1 of 4 stars; one submission).

Allele frequency attached by ClinVar (database versions not stated): TOPMed 0.00005; gnomAD 0.00007; ESP Exome Variant Server 0.00015; ExAC 0.00001; gnomAD exomes 0.00004; 1000 Genomes Project 30x 0.00016; 1000 Genomes Project 0.00020.
gnomAD v4.1: 70 of 1,597,878 alleles (0.0044%); highest among the groups gnomAD compares: Non-Finnish European, 0.0056%; no homozygotes.

Submission:

CeGaT Center for Human Genetics Tuebingen
Classification: Likely benign. Last evaluated: 2023-02-01. Review status: criteria provided, single submitter. Criteria: CeGaT Center For Human Genetics Tuebingen Variant Classification Criteria Version 2. Collection method: clinical testing. Allele origin: germline. Affected: yes. Observed: 1 variant allele.
Comment: MASP2: BP4, BP7